The following is an entry in ClinVar:

ClinVar aggregate classification (germline): Pathogenic/Likely pathogenic. Review status: criteria provided, multiple submitters, no conflicts (2 of 4 stars). 2 submissions from 2 submitters: Pathogenic (1); Likely pathogenic (1). Last evaluated 2022-10-25.

Conditions:
Congenital myotonia, autosomal dominant form (THD). Also called: THOMSEN DISEASE; Myotonia congenita autosomal dominant. Identifiers: Orphanet 614, MedGen C2936781, MONDO:0008055, OMIM 160800.
Congenital myotonia, autosomal recessive form. Also called: BECKER DISEASE; Becker Generalized Myotonia; myotonia congenita, autosomal recessive. Identifiers: Orphanet 614, MedGen C0751360, MONDO:0009715, OMIM 255700.

Submissions (2):

Labcorp Genetics (formerly Invitae), Labcorp
Classification: Pathogenic for Congenital myotonia, autosomal recessive form; Congenital myotonia, autosomal dominant form. Last evaluated: 2022-10-25. Review status: criteria provided, single submitter. Criteria: Invitae Variant Classification Sherloc (09022015). Collection method: clinical testing. Allele origin: germline.
Comment: Experimental studies have shown that this missense change affects CLCN1 function (PMID: 26096614). This variant disrupts the p.Leu198 amino acid residue in CLCN1. Other variant(s) that disrupt this residue have been determined to be pathogenic (PMID: 15241802, 23113340; Invitae). This suggests that this residue is clinically significant, and that variants that disrupt this residue are likely to be disease-causing. For these reasons, this variant has been classified as Pathogenic. Advanced modeling of protein sequence and biophysical properties (such as structural, functional, and spatial information, amino acid conservation, physicochemical variation, residue mobility, and thermodynamic stability) performed at Invitae indicates that this missense variant is expected to disrupt CLCN1 protein function. This sequence change replaces leucine, which is neutral and non-polar, with proline, which is neutral and non-polar, at codon 198 of the CLCN1 protein (p.Leu198Pro). This variant is not present in population databases (gnomAD no frequency). This missense change has been observed in individuals with autosomal dominant myotonia congenita (PMID: 23483815, 26096614). ClinVar contains an entry for this variant (Variation ID: 585692).

Athena Diagnostics
Classification: Likely pathogenic. Last evaluated: 2017-12-29. Review status: criteria provided, single submitter. Criteria: Athena Diagnostics Criteria. Collection method: clinical testing. Allele origin: germline.

Literature cited by the submitters: PubMed 26096614 (cited by Labcorp Genetics (formerly Invitae), Labcorp and Athena Diagnostics); PubMed 15241802 (cited by Labcorp Genetics (formerly Invitae), Labcorp); PubMed 23113340 (cited by Labcorp Genetics (formerly Invitae), Labcorp); PubMed 23483815 (cited by Labcorp Genetics (formerly Invitae), Labcorp and Athena Diagnostics); PubMed 23739125 (cited by Athena Diagnostics).

NM_000083.3(CLCN1):c.593T>C (p.Leu198Pro)

Gene: CLCN1 (chloride voltage-gated channel 1; plus strand). Cytogenetic location: 7q34.
Variant type: single nucleotide variant.
Coding change: c.593T>C on transcript NM_000083.3 (MANE Select); coding-DNA position 593, T replaced by C.
Protein change: p.Leu198Pro; replaces leucine 198 with proline.
Molecular consequence: missense variant. On other transcripts: non-coding transcript variant (1).
Genome position (GRCh38, 1-based): chr7:143,321,745, T>C. VCF-style: chr7-143321745-T-C. GRCh37 (hg19) VCF-style: chr7-143018838-T-C.
Other names: short protein forms L198P.
Identifiers: ClinVar variation 585692 (VCV000585692.6), dbSNP rs1347382107, ClinGen allele CA369684421.
Genomic context (GRCh38, chr7:143,321,745, plus strand): 5'-ACCCTGCACATAATCTTTCAACGCTTTTAGGCTCTGGAATCCCCGAAATGAAGACAATAC[T>C]TCGTGGGGTTGTCCTGAAGGAATACCTCACAATGAAAGCCTTTGTGGCCAAGGTTGTCGC-3'
Protein context (NP_000074.3, residues 188-208): GSGIPEMKTI[Leu198Pro]RGVVLKEYLT